The following is an entry in ClinVar:

ClinVar aggregate classification (germline): Uncertain significance (1 of 4 stars; one submission).

Submission:

Labcorp Genetics (formerly Invitae), Labcorp
Classification: Uncertain significance. Last evaluated: 2022-03-26. Review status: criteria provided, single submitter. Criteria: Invitae Variant Classification Sherloc (09022015). Collection method: clinical testing. Allele origin: germline.
Comment: In summary, the available evidence is currently insufficient to determine the role of this variant in disease. Therefore, it has been classified as a Variant of Uncertain Significance. This variant has not been reported in the literature in individuals affected with STN1-related conditions. This variant is not present in population databases (gnomAD no frequency). This sequence change creates a premature translational stop signal (p.Leu236Profs*5) in the STN1 gene. It is expected to result in an absent or disrupted protein product. However, the current clinical and genetic evidence is not sufficient to establish whether loss-of-function variants in STN1 cause disease.

NM_024928.5(STN1):c.707_716del (p.Leu236fs)

Gene: STN1 (STN1 subunit of CST complex; minus strand). Cytogenetic location: 10q24.33.
Variant type: Deletion.
Coding change: c.707_716del on transcript NM_024928.5 (MANE Select); coding-DNA positions 707 to 716, 10 bases deleted (TGTCCCTTGC; older notation c.707_716delTGTCCCTTGC).
Protein change: p.Leu236fs; shifts the reading frame from leucine 236.
Molecular consequence: frameshift variant.
Genome position (GRCh38, 1-based): chr10:103,897,585-103,897,594, GCAAGGGACA deleted on the plus strand (TGTCCCTTGC on the coding strand, the reverse complement: STN1 is on the minus strand); deleting any 10 consecutive bases within chr10:103,897,585-103,897,598 gives the same sequence; the c. name uses the placement nearest the transcript's 3' end. VCF-style (leftmost placement, unchanged base first): chr10-103897584-GGCAAGGGACA-G. GRCh37 (hg19) VCF-style: chr10-105657342-GGCAAGGGACA-G.
Other names: short protein forms L236fs.
Identifiers: ClinVar variation 1958183 (VCV001958183.5), dbSNP rs2493034753, ClinGen allele CA2580081221.